The following is an entry in ClinVar:

NM_001242896.3(DEPDC5):c.2458C>T (p.Gln820Ter)

Gene: DEPDC5 (DEP domain containing 5, GATOR1 subcomplex subunit; plus strand). Cytogenetic location: 22q12.3.
Variant type: single nucleotide variant.
Coding change: c.2458C>T on transcript NM_001242896.3 (MANE Select); coding-DNA position 2458, C replaced by T.
Protein change: p.Gln820Ter; replaces glutamine 820 with a stop codon.
Molecular consequence: nonsense. On other transcripts: non-coding transcript variant (5).
Genome position (GRCh38, 1-based): chr22:31,838,788, C>T. VCF-style: chr22-31838788-C-T. GRCh37 (hg19) VCF-style: chr22-32234774-C-T.
Other names: c.2431C>T, p.Gln811Ter (NM_001136029.4, NM_001369903.1, NM_014662.6); c.2224C>T, p.Gln742Ter (NM_001242897.2, NM_001363854.2, NM_001364319.2); c.2458C>T, p.Gln820Ter (NM_001363852.2, NM_001364318.2, NM_001364320.2); c.2374C>T, p.Gln792Ter (NM_001369901.1, NM_001369902.1); short protein forms Q742*, Q811*, Q820*, Q792*.
Identifiers: ClinVar variation 4751294 (VCV004751294.1).

ClinVar aggregate classification (germline): Pathogenic (1 of 4 stars; one submission).

Conditions:
Familial focal epilepsy with variable foci (FPEVF). Identifiers: Orphanet 98820, MedGen C1858477, MONDO:0020310.

gnomAD v4.1: 1 of 1,614,142 alleles (0.000062%); highest among the groups gnomAD compares: Non-Finnish European, 0.000085%; no homozygotes.

Submission:

Labcorp Genetics (formerly Invitae), Labcorp
Classification: Pathogenic for Familial focal epilepsy with variable foci. Last evaluated: 2025-03-19. Review status: criteria provided, single submitter. Criteria: Invitae Variant Classification Sherloc (09022015). Collection method: clinical testing. Allele origin: germline.
Comment: This sequence change creates a premature translational stop signal (p.Gln820*) in the DEPDC5 gene. It is expected to result in an absent or disrupted protein product. Loss-of-function variants in DEPDC5 are known to be pathogenic (PMID: 23542697, 23542701). This variant is not present in population databases (gnomAD no frequency). This variant has not been reported in the literature in individuals affected with DEPDC5-related conditions. For these reasons, this variant has been classified as Pathogenic.

Literature cited by the submitters: PubMed 23542697; PubMed 23542701.